The following is an entry in ClinVar:

ClinVar aggregate classification (germline): Conflicting classifications of pathogenicity. Review status: criteria provided, conflicting classifications (1 of 4 stars). 14 submissions from 14 submitters: Uncertain significance (11); Benign (1); Likely benign (1). 1 of the submissions does not count toward it. Last evaluated 2026-02-03.

Conditions:
ATM-related disorder. Also called: ATM-related disorders; ATM-related condition.
Hereditary cancer-predisposing syndrome. Also called: Neoplastic Syndromes, Hereditary; Hereditary neoplastic syndrome; Tumor predisposition; Hereditary Cancer Syndrome. Identifiers: Orphanet 140162, MedGen C0027672, MeSH D009386, MONDO:0015356.
Familial cancer of breast. Also called: hereditary breast carcinoma; Hereditary breast cancer; BREAST CANCER, FAMILIAL. Identifiers: Orphanet 227535, MedGen C0346153, MONDO:0016419, OMIM 114480. Disease mechanism: loss of function.
Ataxia-telangiectasia syndrome (AT). Also called: Ataxia telangiectasia (A-T); Cerebello-oculocutaneous telangiectasia; Immunodeficiency with ataxia telangiectasia; LOUIS-BAR SYNDROME; AT, COMPLEMENTATION GROUP C; ATAXIA-TELANGIECTASIA, FRESNO VARIANT. Identifiers: Orphanet 100, MedGen C0004135, MONDO:0008840, OMIM 208900.

Allele frequency attached by ClinVar (database versions not stated): gnomAD exomes 0.00003 and 0.00008; gnomAD 0.00008; ExAC 0.00006; 1000 Genomes Project 30x 0.00016; TOPMed 0.00007; 1000 Genomes Project 0.00020.
gnomAD v4.1: 59 of 1,614,086 alleles (0.0037%); highest among the groups gnomAD compares: East Asian, 0.065%; no homozygotes.

Submissions (14):

Labcorp Genetics (formerly Invitae), Labcorp
Classification: Likely benign for Ataxia-telangiectasia syndrome. Last evaluated: 2026-02-03. Review status: criteria provided, single submitter. Criteria: Invitae Variant Classification Sherloc (09022015). Collection method: clinical testing. Allele origin: germline.

PreventionGenetics, part of Exact Sciences
Classification: Uncertain significance for ATM-related condition. Last evaluated: 2025-08-25. Review status: criteria provided, single submitter. Criteria: ACMG Guidelines, 2015. Collection method: clinical testing. Allele origin: germline.
Comment: The ATM c.6503C>T variant is predicted to result in the amino acid substitution p.Ser2168Leu. This variant has been identified in cancer cohorts as well as in healthy controls (Supplementary Data 1, Momozawa et al. 2018. PubMed ID: 30287823; Supplementary Table 6, Momozawa et al. 2020. PubMed ID: 31214711; Supplementary Table 6, Mizukami et al. 2020. PubMed ID: 32980694; Table S6, Akcay et al. 2020. PubMed ID: 32658311). This variant has also been reported in multiple unrelated individuals with breast cancer (Fostira et al. 2018. PubMed ID: 29335925; Table S3, Xie et al. 2017. PubMed ID: 28580595; Table S1, Kwong et al. 2020. PubMed ID: 32068069) and in an individual with ataxia (Cheng et al. 2021. PubMed ID: 34663476). This variant has also been observed in 1/3,476 patients from The Cancer Genome Atlas (TCGA) (Table S9, Yehia et al. 2018. PubMed ID: 29684080). This variant is reported in 0.085% of alleles in individuals of East Asian descent in gnomAD and has conflicting interpretations ranging from benign to uncertain in ClinVar (Variation ID: 220531). At this time, the clinical significance of this variant is uncertain due to the absence of conclusive functional and genetic evidence.

Ambry Genetics
Classification: Uncertain significance for Hereditary cancer-predisposing syndrome. Last evaluated: 2025-07-25. Review status: criteria provided, single submitter. Criteria: Ambry Variant Classification Scheme 2023. Collection method: clinical testing. Allele origin: germline.
Comment: The p.S2168L variant (also known as c.6503C>T), located in coding exon 44 of the ATM gene, results from a C to T substitution at nucleotide position 6503. The serine at codon 2168 is replaced by leucine, an amino acid with dissimilar properties. This variant has been identified in individuals diagnosed with breast cancer (Haiman CA et al. PLoS Genet, 2013 Mar;9:e1003419; Fostira F et al. Breast Cancer Res. Treat. 2018;169(1):105-113; Xie Y et al. Clin Genet, 2018 Jan;93:41-51; Kwong A et al. J Mol Diagn, 2020 Apr;22:544-554). This variant has also been identified in numerous cancer cohorts as well as unaffected control groups across studies (Decker B et al. J. Med. Genet. 2017;54(11):732-741; Momozawa Y et al. Nat Commun, 2018 10;9:4083; Momozawa Y et al. J Natl Cancer Inst, 2020 Apr;112:369-376; Mizukami K et al. EBioMedicine, 2020 Oct;60:103033; Akcay IM et al. Int J Cancer, 2021 Jan;148:285-295). This variant has been reported in conjunction with an ATM frameshift mutation in a patient with unexplained ataxia; however, the phase of these variants was not reported (Cheng HL et al. Transl Neurodegener, 2021 Oct;10:40). This amino acid position is highly conserved in available vertebrate species. In addition, this alteration is predicted to be deleterious by in silico analysis. Based on the available evidence, the clinical significance of this variant remains unclear.

Women's Health and Genetics/Laboratory Corporation of America, LabCorp
Classification: Uncertain significance. Last evaluated: 2025-06-26. Review status: criteria provided, single submitter. Criteria: LabCorp Variant Classification Summary - May 2015. Collection method: clinical testing. Allele origin: germline.
Comment: Variant summary: ATM c.6503C>T (p.Ser2168Leu) results in a non-conservative amino acid change located in the PIK-related kinase domain of the encoded protein sequence. Algorithms developed to predict the effect of missense changes on protein structure and function are either unavailable or do not agree on the potential impact of this missense change. The variant allele was found at a frequency of 0.00013 in 299890 control chromosomes, predominantly at a frequency of 0.00082 within the East Asian subpopulation in the gnomAD database. This frequency is not significantly higher than estimated for a pathogenic variant in ATM causing Breast Cancer (0.00013 vs 0.001), allowing no conclusion about variant significance. c.6503C>T has been reported in the literature in individuals affected with Breast and Prostate Cancers (e.g.Haiman_2013, Xie_2018, Fostira_2018, Momozawa_2018, Wei_2019, Kwong_2020). In one large case-control study within the Japanese population, this variant was found in both cases and controls and was not shown to be associated with breast cancer (OR=0.4, p=0.222; Momozawa_2018) . These reports do not provide unequivocal conclusions about association of the variant with Breast Cancer. Co-occurrence with another pathogenic variant has been reported (BRCA2 c.5682C>G, p.Y1894X; Wei_2019), providing supporting evidence for a benign role. To our knowledge, no experimental evidence demonstrating an impact on protein function has been reported. The following publications have been ascertained in the context of this evaluation (PMID: 32658311, 29335925, 23555315, 32068069, 30287823, 36243179, 31248605, 38845987, 28580595, 36627197). ClinVar contains an entry for this variant (Variation ID: 220531). Based on the evidence outlined above, the variant was classified as VUS-possibly benign.

GeneDx
Classification: Uncertain significance. Last evaluated: 2024-09-22. Review status: criteria provided, single submitter. Criteria: GeneDx Variant Classification Process June 2021. Collection method: clinical testing. Allele origin: germline. Affected: yes.
Comment: Observed with a truncating ATM variant in a child with ataxia and dysarthria, and it is not known whether the variants occurred on the same (in cis) allele or on opposite (in trans) alleles (PMID: 34663476); Observed in individuals with breast, pancreatic or colon cancer, and also in unaffected controls in studies of various cancer types (PMID: 36243179, 23555315, 28779002, 29335925, 30287823, 29684080, 32068069, 32980694, 32658311, 28580595); In silico analysis suggests this variant may impact gene splicing. In the absence of RNA/functional studies, the actual effect of this sequence change is unknown; In silico analysis supports that this missense variant has a deleterious effect on protein structure/function; This variant is associated with the following publications: (PMID: 31248605, 29684080, 32068069, 32658311, 28580595, 23555315, 28779002, 29335925, 30287823, 36300887, 32980694, 36243179, 34663476, 31214711, 35218119, 38845987, 23532176)

Color Diagnostics, LLC DBA Color Health
Classification: Uncertain significance for Hereditary cancer-predisposing syndrome. Last evaluated: 2024-07-01. Review status: criteria provided, single submitter. Criteria: ACMG Guidelines, 2015. Collection method: clinical testing. Allele origin: germline.
Comment: This missense variant replaces serine with leucine at codon 2168 of the ATM protein. Computational prediction is inconclusive regarding the impact of this variant on protein structure and function. To our knowledge, functional studies have not been reported for this variant. This variant has been reported in individuals affected with breast cancer (PMID: 23555315, 28580595, 28779002, 29335925, 30287823, 33471991) and in unaffected individuals (PMID: 30287823, 32658311, 33471991). This variant has also been identified in 24/282838 chromosomes in the general population by the Genome Aggregation Database (gnomAD). The available evidence is insufficient to determine the role of this variant in disease conclusively. Therefore, this variant is classified as a Variant of Uncertain Significance.

Institute for Biomarker Research, Medical Diagnostic Laboratories, L.L.C.
Classification: Benign for Hereditary cancer-predisposing syndrome. Last evaluated: 2024-02-27. Review status: criteria provided, single submitter. Criteria: ACMG Guidelines, 2015. Collection method: clinical testing. Allele origin: germline.

Department of Pathology and Laboratory Medicine, Sinai Health System
Classification: Uncertain significance for Familial cancer of breast. Last evaluated: 2023-12-27. Review status: criteria provided, single submitter. Criteria: ACMG Guidelines, 2015. Collection method: clinical testing. Allele origin: germline. Affected: yes.

Baylor Genetics
Classification: Uncertain significance for Familial cancer of breast. Last evaluated: 2023-12-14. Review status: criteria provided, single submitter. Criteria: ACMG Guidelines, 2015. Collection method: clinical testing. Allele origin: unknown.

Quest Diagnostics Nichols Institute San Juan Capistrano
Classification: Uncertain significance. Last evaluated: 2022-05-17. Review status: criteria provided, single submitter. Criteria: Quest Diagnostics criteria. Collection method: clinical testing. Allele origin: unknown.

Department of Neurology, Xijing Hospital, Fourth Military Medical University
Classification: Uncertain significance for Ataxia-telangiectasia syndrome. Last evaluated: 2022-03-01. Review status: criteria provided, single submitter. Criteria: ACMG Guidelines, 2015. Collection method: clinical testing. Allele origin: germline.

Fulgent Genetics
Classification: Uncertain significance for Familial cancer of breast; Ataxia-telangiectasia syndrome. Last evaluated: 2018-10-31. Review status: criteria provided, single submitter. Criteria: ACMG Guidelines, 2015. Collection method: clinical testing. Allele origin: unknown.

Mendelics
Classification: Uncertain significance for Ataxia-telangiectasia syndrome. Last evaluated: 2018-07-02. Review status: criteria provided, single submitter. Criteria: Mendelics Assertion Criteria 2017. Collection method: clinical testing. Allele origin: unknown.

Natera, Inc.
Classification: Uncertain significance for Ataxia-telangiectasia. Last evaluated: 2020-09-16. Review status: no assertion criteria provided. Collection method: clinical testing. Allele origin: germline. Not counted in ClinVar's aggregate classification.

Literature cited by the submitters: PubMed 23555315 (cited by 4 submitters); PubMed 28580595 (cited by 5 submitters); PubMed 29684080 (cited by Ambry Genetics and Quest Diagnostics Nichols Institute San Juan Capistrano); PubMed 30287823 (cited by 5 submitters); PubMed 31214711 (cited by Ambry Genetics); PubMed 32068069 (cited by 3 submitters); PubMed 32658311 (cited by 4 submitters); PubMed 32980694 (cited by Ambry Genetics and Quest Diagnostics Nichols Institute San Juan Capistrano); PubMed 34663476 (cited by 3 submitters); PubMed 29335925 (cited by 4 submitters); PubMed 31248605 (cited by 3 submitters); PubMed 36243179 (cited by Women's Health and Genetics/Laboratory Corporation of America, LabCorp); PubMed 36627197 (cited by Women's Health and Genetics/Laboratory Corporation of America, LabCorp); PubMed 38845987 (cited by Women's Health and Genetics/Laboratory Corporation of America, LabCorp); PubMed 28779002 (cited by 3 submitters); PubMed 33471991 (cited by Color Diagnostics, LLC DBA Color Health and Department of Pathology and Laboratory Medicine, Sinai Health System).

NM_000051.4(ATM):c.6503C>T (p.Ser2168Leu)

Genes: C11orf65 (chromosome 11 open reading frame 65; minus strand), ATM (ATM serine/threonine kinase; plus strand). Cytogenetic location: 11q22.3.
Variant type: single nucleotide variant.
Coding change: c.6503C>T on transcript NM_000051.4 (MANE Select); coding-DNA position 6503, C replaced by T.
Protein change: p.Ser2168Leu; replaces serine 2168 with leucine.
Molecular consequence: missense variant. On other transcripts: intron variant (2).
Genome position (GRCh38, 1-based): chr11:108,321,351, C>T. VCF-style: chr11-108321351-C-T. GRCh37 (hg19) VCF-style: chr11-108192078-C-T.
Other names: c.*39-12280G>A (NM_001351110.2); c.6503C>T, p.Ser2168Leu (NM_001351834.2); c.641-12280G>A (NM_001330368.2); short protein forms S2168L.
Identifiers: ClinVar variation 220531 (VCV000220531.50), dbSNP rs200431631, ClinGen allele CA350774.